The following is an entry in ClinVar:

NM_004526.4(MCM2):c.1101+9G>C

Gene: MCM2 (minichromosome maintenance complex component 2; plus strand). Cytogenetic location: 3q21.3.
Variant type: single nucleotide variant.
Coding change: c.1101+9G>C on transcript NM_004526.4 (MANE Select); 9 bases into the intron after coding-DNA position 1101, G replaced by C.
Molecular consequence: intron variant.
Genome position (GRCh38, 1-based): chr3:127,606,826, G>C. VCF-style: chr3-127606826-G-C. GRCh37 (hg19) VCF-style: chr3-127325669-G-C.
Identifiers: ClinVar variation 3030741 (VCV003030741.2), dbSNP rs2473281673, ClinGen allele CA2577888191.

ClinVar aggregate classification (germline): Likely benign (0 of 4 stars; one submission).

Conditions:
MCM2-related disorder. Also called: MCM2-related condition.

Submission:

PreventionGenetics, part of Exact Sciences
Classification: Likely benign for MCM2-related condition. Last evaluated: 2023-11-09. Review status: no assertion criteria provided. Collection method: clinical testing. Allele origin: germline.
Comment: This variant is classified as likely benign based on ACMG/AMP sequence variant interpretation guidelines (Richards et al. 2015 PMID: 25741868, with internal and published modifications).